The following is an entry in ClinVar:

ClinVar aggregate classification (germline): Uncertain significance (1 of 4 stars; one submission).

Allele frequency attached by ClinVar (database versions not stated): TOPMed 0.00001; gnomAD exomes 0.00002.

Submission:

Labcorp Genetics (formerly Invitae), Labcorp
Classification: Uncertain significance. Last evaluated: 2023-07-17. Review status: criteria provided, single submitter. Criteria: Invitae Variant Classification Sherloc (09022015). Collection method: clinical testing. Allele origin: germline.
Comment: This variant is present in population databases (no rsID available, gnomAD 0.0009%). In summary, the available evidence is currently insufficient to determine the role of this variant in disease. Therefore, it has been classified as a Variant of Uncertain Significance. Algorithms developed to predict the effect of missense changes on protein structure and function output the following: SIFT: "Not Available"; PolyPhen-2: "Benign"; Align-GVGD: "Not Available". The serine amino acid residue is found in multiple mammalian species, which suggests that this missense change does not adversely affect protein function. This variant has not been reported in the literature in individuals affected with SON-related conditions. This sequence change replaces proline, which is neutral and non-polar, with serine, which is neutral and polar, at codon 417 of the SON protein (p.Pro417Ser).

NM_138927.4(SON):c.1249C>T (p.Pro417Ser)

Gene: SON (SON DNA and RNA binding protein; plus strand). Cytogenetic location: 21q22.11.
Variant type: single nucleotide variant.
Coding change: c.1249C>T on transcript NM_138927.4 (MANE Select); coding-DNA position 1249, C replaced by T.
Protein change: p.Pro417Ser; replaces proline 417 with serine.
Molecular consequence: missense variant. On other transcripts: non-coding transcript variant (1), intron variant (1).
Genome position (GRCh38, 1-based): chr21:33,550,480, C>T. VCF-style: chr21-33550480-C-T. GRCh37 (hg19) VCF-style: chr21-34922786-C-T.
Other names: c.244+4101C>T (NM_001291412.3); c.1249C>T, p.Pro417Ser (NM_001291411.2, NM_001412133.1, NM_032195.3 and 2 more transcripts); short protein forms P417S.
Identifiers: ClinVar variation 3017898 (VCV003017898.3), dbSNP rs1361650236, ClinGen allele CA410153438.